The following is an entry in ClinVar:

NM_001384125.1(BLTP1):c.5853T>A (p.Asp1951Glu)

Gene: BLTP1 (bridge-like lipid transfer protein family member 1; plus strand). Cytogenetic location: 4q27.
Variant type: single nucleotide variant.
Coding change: c.5853T>A on transcript NM_001384125.1 (MANE Select); coding-DNA position 5853, T replaced by A.
Protein change: p.Asp1951Glu; replaces aspartic acid 1951 with glutamic acid.
Molecular consequence: missense variant.
Genome position (GRCh38, 1-based): chr4:122,250,504, T>A. VCF-style: chr4-122250504-T-A. GRCh37 (hg19) VCF-style: chr4-123171659-T-A.
Other names: c.5853T>A, p.Asp1951Glu (NM_015312.4); short protein forms D1951E.
Identifiers: ClinVar variation 1258078 (VCV001258078.5), dbSNP rs56363411, ClinGen allele CA3066697.

ClinVar aggregate classification (germline): Benign. Review status: criteria provided, single submitter (1 of 4 stars). 2 submissions from 2 submitters: Benign (1). 1 of the submissions does not count toward it. Last evaluated 2021-05-04.

Conditions:
BLTP1-related disorder. Also called: BLTP1-related condition.

Allele frequency attached by ClinVar (database versions not stated): 1000 Genomes Project 30x 0.01093; 1000 Genomes Project 0.01118; TOPMed 0.02106; ExAC 0.02347; gnomAD 0.02363 and 0.02451; ESP Exome Variant Server 0.02446; gnomAD exomes 0.02473 and 0.03222.
gnomAD v4.1: 50,354 of 1,613,804 alleles (3.1%); highest among the groups gnomAD compares: Non-Finnish European, 3.6%; 974 homozygotes.

Submissions (2):

GeneDx
Classification: Benign. Last evaluated: 2021-05-04. Review status: criteria provided, single submitter. Criteria: GeneDx Variant Classification Process June 2021. Collection method: clinical testing. Allele origin: germline. Affected: yes.

PreventionGenetics, part of Exact Sciences
Classification: Benign for BLTP1-related condition. Last evaluated: 2020-01-31. Review status: no assertion criteria provided. Collection method: clinical testing. Allele origin: germline. Not counted in ClinVar's aggregate classification.
Comment: This variant is classified as benign based on ACMG/AMP sequence variant interpretation guidelines (Richards et al. 2015 PMID: 25741868, with internal and published modifications).